The following is an entry in ClinVar:

ClinVar aggregate classification (germline): Conflicting classifications of pathogenicity. Review status: criteria provided, conflicting classifications (1 of 4 stars). 4 submissions from 3 submitters: Uncertain significance (2); Likely benign (2). Last evaluated 2025-06-12.

Conditions:
CDH23-related disorder. Also called: CDH23-related condition; CDH23-related disorders.
Autosomal recessive nonsyndromic hearing loss 12. Also called: DEAFNESS, AUTOSOMAL RECESSIVE 12. Identifiers: Orphanet 90636, MedGen C1832394, MONDO:0011067, OMIM 601386.
Usher syndrome type 1D (USH1D). Also called: USHER SYNDROME, TYPE ID. Identifiers: Orphanet 231169, Orphanet 886, MedGen C1832845, MONDO:0010984, OMIM 601067.

Allele frequency attached by ClinVar (database versions not stated): gnomAD exomes 0.00005 and 0.00003; TOPMed 0.00005; ExAC 0.00005; gnomAD 0.00004.
gnomAD v4.1: 52 of 1,613,784 alleles (0.0032%); highest among the groups gnomAD compares: South Asian, 0.0055%; no homozygotes.

Submissions (4):

Labcorp Genetics (formerly Invitae), Labcorp
Classification: Likely benign. Last evaluated: 2025-06-12. Review status: criteria provided, single submitter. Criteria: Invitae Variant Classification Sherloc (09022015). Collection method: clinical testing. Allele origin: germline.

PreventionGenetics, part of Exact Sciences
Classification: Likely benign for CDH23-related condition. Last evaluated: 2025-03-19. Review status: criteria provided, single submitter. Criteria: ACMG Guidelines, 2015. Collection method: clinical testing. Allele origin: germline.
Comment: This variant is classified as likely benign based on ACMG/AMP sequence variant interpretation guidelines (Richards et al. 2015 PMID: 25741868, with internal and published modifications).

Illumina Laboratory Services, Illumina
Classification: Uncertain significance for Usher syndrome type 1D. Last evaluated: 2018-01-12. Review status: criteria provided, single submitter. Criteria: ICSL Variant Classification Criteria 13 December 2019. Collection method: clinical testing. Allele origin: germline.

Illumina Laboratory Services, Illumina
Classification: Uncertain significance for Autosomal recessive nonsyndromic hearing loss 12. Last evaluated: 2018-01-12. Review status: criteria provided, single submitter. Criteria: ICSL Variant Classification Criteria 13 December 2019. Collection method: clinical testing. Allele origin: germline.

NM_022124.6(CDH23):c.3915C>T (p.Asn1305=)

Genes: C10orf105 (chromosome 10 open reading frame 105; minus strand), CDH23 (cadherin related 23; plus strand). Cytogenetic location: 10q22.1.
Variant type: single nucleotide variant.
Coding change: c.3915C>T on transcript NM_022124.6 (MANE Select); coding-DNA position 3915, C replaced by T.
Protein change: p.Asn1305=; no amino-acid change (asparagine 1305 retained).
Molecular consequence: synonymous variant. On other transcripts: intron variant (1).
Genome position (GRCh38, 1-based): chr10:71,732,186, C>T. VCF-style: chr10-71732186-C-T. GRCh37 (hg19) VCF-style: chr10-73491943-C-T.
Other names: c.3915C>T, p.Asn1305= (NM_001171930.2); c.-6+5542G>A (NM_001168390.2).
Identifiers: ClinVar variation 300427 (VCV000300427.16), dbSNP rs568924674, ClinGen allele CA5544868.